The following is an entry in ClinVar:

NM_033380.3(COL4A5):c.4978_4979insAAAA (p.Val1660fs)

Gene: COL4A5 (collagen type IV alpha 5 chain; plus strand). Cytogenetic location: Xq22.3.
Variant type: Insertion.
Coding change: c.4978_4979insAAAA on transcript NM_033380.3 (MANE Select); coding-DNA positions 4978 to 4979, AAAA inserted.
Protein change: p.Val1660fs; shifts the reading frame from valine 1660.
Molecular consequence: frameshift variant.
Genome position: GRCh38 VCF-style: chrX-108695423-G-GAAAA. GRCh37 (hg19) VCF-style: chrX-107938653-G-GAAAA.
Other names: c.4960_4961insAAAA, p.Val1654fs (NM_000495.5); short protein forms V1654fs, V1660fs.
Identifiers: ClinVar variation 1077042 (VCV001077042.1), dbSNP rs2148002538, ClinGen allele CA2499226313.

ClinVar aggregate classification (germline): Pathogenic (1 of 4 stars; one submission).

Conditions:
X-linked Alport syndrome (ATS1). Also called: COL4A5-Related Nephropathy; NEPHROPATHY AND DEAFNESS, X-LINKED. Identifiers: Orphanet 63, Orphanet 88917, MedGen C4746986, MONDO:0010520, OMIM 301050.

Submission:

Precision Medicine Center, Zhengzhou University
Classification: Pathogenic for X-linked Alport syndrome. Review status: criteria provided, single submitter. Criteria: ACMG Guidelines, 2015. Collection method: research. Allele origin: germline. Affected: yes.
Comment: PVS1:Null variant in the gene with established LOF as a disease mechanism PM2:not found in gnomAD PP3:Multiple lines of computational evidence support a deleterious effect on the gene or gene product